The following is an entry in ClinVar:

NM_004371.4(COPA):c.2556G>T (p.Gln852His)

Gene: COPA (coat protein complex I subunit alpha; minus strand). Cytogenetic location: 1q23.2.
Variant type: single nucleotide variant.
Coding change: c.2556G>T on transcript NM_004371.4 (MANE Select); coding-DNA position 2556, G replaced by T.
Protein change: p.Gln852His; replaces glutamine 852 with histidine.
Molecular consequence: missense variant.
Genome position (GRCh38, 1-based): chr1:160,294,778, C>A on the plus strand (G>T on the coding strand, the complement: COPA is on the minus strand). VCF-style: chr1-160294778-C-A. GRCh37 (hg19) VCF-style: chr1-160264568-C-A.
Other names: c.2583G>T, p.Gln861His (NM_001098398.2); short protein forms Q861H, Q852H.
Identifiers: ClinVar variation 1426195 (VCV001426195.8), dbSNP rs1658345672, ClinGen allele CA343275846.

ClinVar aggregate classification (germline): Uncertain significance (1 of 4 stars; one submission).

Conditions:
Autoimmune interstitial lung disease-arthritis syndrome. Also called: Autoinflammation and autoimmunity, systemic, with immune dysregulation. Identifiers: Orphanet 444092, MedGen C5975714, MONDO:0014629.

Submission:

Labcorp Genetics (formerly Invitae), Labcorp
Classification: Uncertain significance for Autoimmune interstitial lung disease-arthritis syndrome. Last evaluated: 2021-03-21. Review status: criteria provided, single submitter. Criteria: Invitae Variant Classification Sherloc (09022015). Collection method: clinical testing. Allele origin: germline.
Comment: In summary, the available evidence is currently insufficient to determine the role of this variant in disease. Therefore, it has been classified as a Variant of Uncertain Significance. Advanced modeling of protein sequence and biophysical properties (such as structural, functional, and spatial information, amino acid conservation, physicochemical variation, residue mobility, and thermodynamic stability) performed at Invitae indicates that this missense variant is not expected to disrupt COPA protein function. This variant has not been reported in the literature in individuals with COPA-related conditions. This variant is not present in population databases (ExAC no frequency). This sequence change replaces glutamine with histidine at codon 852 of the COPA protein (p.Gln852His). The glutamine residue is moderately conserved and there is a small physicochemical difference between glutamine and histidine.